The following is an entry in ClinVar:

ClinVar aggregate classification (germline): Uncertain significance (1 of 4 stars; one submission).

Allele frequency attached by ClinVar (database versions not stated): gnomAD exomes below 0.00001.
gnomAD v4.1: 1 of 1,613,330 alleles (0.000062%); highest among the groups gnomAD compares: Non-Finnish European, 0.000085%; no homozygotes.

Submission:

Labcorp Genetics (formerly Invitae), Labcorp
Classification: Uncertain significance. Last evaluated: 2023-12-19. Review status: criteria provided, single submitter. Criteria: Invitae Variant Classification Sherloc (09022015). Collection method: clinical testing. Allele origin: germline.
Comment: This sequence change replaces arginine, which is basic and polar, with lysine, which is basic and polar, at codon 136 of the CACNA2D4 protein (p.Arg136Lys). This variant is not present in population databases (gnomAD no frequency). This variant has not been reported in the literature in individuals affected with CACNA2D4-related conditions. An algorithm developed to predict the effect of missense changes on protein structure and function (PolyPhen-2) suggests that this variant is likely to be tolerated. In summary, the available evidence is currently insufficient to determine the role of this variant in disease. Therefore, it has been classified as a Variant of Uncertain Significance.

NM_172364.5(CACNA2D4):c.407G>A (p.Arg136Lys)

Gene: CACNA2D4 (calcium voltage-gated channel auxiliary subunit alpha2delta 4; minus strand). Cytogenetic location: 12p13.33.
Variant type: single nucleotide variant.
Coding change: c.407G>A on transcript NM_172364.5 (MANE Select); coding-DNA position 407, G replaced by A.
Protein change: p.Arg136Lys; replaces arginine 136 with lysine.
Molecular consequence: missense variant.
Genome position (GRCh38, 1-based): chr12:1,913,042, C>T on the plus strand (G>A on the coding strand, the complement: CACNA2D4 is on the minus strand). VCF-style: chr12-1913042-C-T. GRCh37 (hg19) VCF-style: chr12-2022208-C-T.
Other names: short protein forms R136K.
Identifiers: ClinVar variation 2704326 (VCV002704326.3), dbSNP rs2497355227, ClinGen allele CA383364887.